The following is an entry in ClinVar:

NM_013447.4(ADGRE2):c.199+10C>T

Gene: ADGRE2 (adhesion G protein-coupled receptor E2; minus strand). Cytogenetic location: 19p13.12.
Variant type: single nucleotide variant.
Coding change: c.199+10C>T on transcript NM_013447.4 (MANE Select); 10 bases into the intron after coding-DNA position 199, C replaced by T.
Molecular consequence: intron variant.
Genome position (GRCh38, 1-based): chr19:14,773,928, G>A on the plus strand (C>T on the coding strand, the complement: ADGRE2 is on the minus strand). VCF-style: chr19-14773928-G-A. GRCh37 (hg19) VCF-style: chr19-14884740-G-A.
Other names: c.199+10C>T (NM_152917.2, NM_152916.2, NM_001271052.1).
Identifiers: ClinVar variation 2832817 (VCV002832817.3), dbSNP rs2513350621, ClinGen allele CA2739276574.

ClinVar aggregate classification (germline): Uncertain significance (1 of 4 stars; one submission).

Submission:

Labcorp Genetics (formerly Invitae), Labcorp
Classification: Uncertain significance. Last evaluated: 2023-12-01. Review status: criteria provided, single submitter. Criteria: Invitae Variant Classification Sherloc (09022015). Collection method: clinical testing. Allele origin: germline.
Comment: This sequence change falls in intron 4 of the ADGRE2 gene. It does not directly change the encoded amino acid sequence of the ADGRE2 protein. This variant is not present in population databases (gnomAD no frequency). This variant has not been reported in the literature in individuals affected with ADGRE2-related conditions. Algorithms developed to predict the effect of sequence changes on RNA splicing suggest that this variant may create or strengthen a splice site. In summary, the available evidence is currently insufficient to determine the role of this variant in disease. Therefore, it has been classified as a Variant of Uncertain Significance.